The following is an entry in ClinVar:

ClinVar aggregate classification (germline): Likely benign (1 of 4 stars; one submission).

Submission:

CeGaT Center for Human Genetics Tuebingen
Classification: Likely benign. Last evaluated: 2026-01-01. Review status: criteria provided, single submitter. Criteria: CeGaT Center For Human Genetics Tuebingen Variant Classification Criteria Version 2. Collection method: clinical testing. Allele origin: germline. Affected: yes. Observed: 6 variant alleles.
Comment: KRTAP4-7: BP4, BP7

NM_033061.4(KRTAP4-7):c.183A>G (p.Gln61=)

Gene: KRTAP4-7 (keratin associated protein 4-7; plus strand). Cytogenetic location: 17q21.2.
Variant type: single nucleotide variant.
Coding change: c.183A>G on transcript NM_033061.4 (MANE Select); coding-DNA position 183, A replaced by G.
Protein change: p.Gln61=; no amino-acid change (glutamine 61 retained).
Molecular consequence: synonymous variant.
Genome position (GRCh38, 1-based): chr17:41,084,389, A>G. VCF-style: chr17-41084389-A-G. GRCh37 (hg19) VCF-style: chr17-39240641-A-G.
Identifiers: ClinVar variation 3025012 (VCV003025012.22), dbSNP rs867963353, ClinGen allele CA8551858.